The following is an entry in ClinVar:

ClinVar aggregate classification (germline): Uncertain significance (1 of 4 stars; one submission).

Allele frequency attached by ClinVar (database versions not stated): ExAC 0.00002.
gnomAD v4.1: 5 of 1,614,216 alleles (0.00031%); highest among the groups gnomAD compares: Non-Finnish European, 0.00042%; no homozygotes.

Submission:

Labcorp Genetics (formerly Invitae), Labcorp
Classification: Uncertain significance. Last evaluated: 2022-05-12. Review status: criteria provided, single submitter. Criteria: Invitae Variant Classification Sherloc (09022015). Collection method: clinical testing. Allele origin: germline.
Comment: In summary, the available evidence is currently insufficient to determine the role of this variant in disease. Therefore, it has been classified as a Variant of Uncertain Significance. Algorithms developed to predict the effect of missense changes on protein structure and function (SIFT, PolyPhen-2, Align-GVGD) all suggest that this variant is likely to be tolerated. This variant has not been reported in the literature in individuals affected with NSUN2-related conditions. This variant is present in population databases (rs757843409, gnomAD 0.002%). This sequence change replaces alanine, which is neutral and non-polar, with serine, which is neutral and polar, at codon 684 of the NSUN2 protein (p.Ala684Ser).

NM_017755.6(NSUN2):c.2050G>T (p.Ala684Ser)

Gene: NSUN2 (NOP2/Sun RNA methyltransferase 2; minus strand). Cytogenetic location: 5p15.31.
Variant type: single nucleotide variant.
Coding change: c.2050G>T on transcript NM_017755.6 (MANE Select); coding-DNA position 2050, G replaced by T.
Protein change: p.Ala684Ser; replaces alanine 684 with serine.
Molecular consequence: missense variant. On other transcripts: non-coding transcript variant (1).
Genome position (GRCh38, 1-based): chr5:6,600,180, C>A on the plus strand (G>T on the coding strand, the complement: NSUN2 is on the minus strand). VCF-style: chr5-6600180-C-A. GRCh37 (hg19) VCF-style: chr5-6600293-C-A.
Other names: c.1945G>T, p.Ala649Ser (NM_001193455.2); short protein forms A649S, A684S.
Identifiers: ClinVar variation 1956643 (VCV001956643.5), dbSNP rs757843409, ClinGen allele CA3192195.